The following is an entry in ClinVar:

ClinVar aggregate classification (germline): Uncertain significance. Review status: criteria provided, multiple submitters, no conflicts (2 of 4 stars). 2 submissions from 2 submitters: Uncertain significance (2). Last evaluated 2025-01-12.

Conditions:
Familial hypobetalipoproteinemia 1. Also called: APOB-Related Familial Hypobetalipoproteinemia; Hypobetalipoproteinemia, normotriglyceridemic; Acanthocytosis with hypobetalipoproteinemia. Identifiers: MedGen C4551990, MONDO:0014252, OMIM 615558.
Hypercholesterolemia, autosomal dominant, type B (FHCL2). Also called: APOLIPOPROTEIN B-100, FAMILIAL DEFECTIVE; APOLIPOPROTEIN B-100, FAMILIAL LIGAND-DEFECTIVE; HYPERCHOLESTEROLEMIA, FAMILIAL, DUE TO LIGAND-DEFECTIVE APOLIPOPROTEIN B; Hyperlipoproteinemia Type IIb; Familial hypercholesterolemia 2; Familial Hypercholesterolemia Type B. Identifiers: MedGen C1704417, MONDO:0007751, OMIM 144010.

Submissions (2):

Labcorp Genetics (formerly Invitae), Labcorp
Classification: Uncertain significance for Familial hypobetalipoproteinemia 1; Hypercholesterolemia, autosomal dominant, type B. Last evaluated: 2025-01-12. Review status: criteria provided, single submitter. Criteria: Invitae Variant Classification Sherloc (09022015). Collection method: clinical testing. Allele origin: germline.
Comment: This variant, c.64_66dup, results in the insertion of 1 amino acid(s) of the APOB protein (p.Leu22dup), but otherwise preserves the integrity of the reading frame. The frequency data for this variant in the population databases is considered unreliable, as metrics indicate poor data quality at this position in the gnomAD database. This variant has not been reported in the literature in individuals affected with APOB-related conditions. ClinVar contains an entry for this variant (Variation ID: 993131). Experimental studies and prediction algorithms are not available or were not evaluated, and the functional significance of this variant is currently unknown. In summary, the available evidence is currently insufficient to determine the role of this variant in disease. Therefore, it has been classified as a Variant of Uncertain Significance.

Quest Diagnostics Nichols Institute San Juan Capistrano
Classification: Uncertain significance. Last evaluated: 2019-11-22. Review status: criteria provided, single submitter. Criteria: Quest Diagnostics criteria. Collection method: clinical testing. Allele origin: unknown.

NM_000384.3(APOB):c.49CTG[7] (p.Leu22dup)

Genes: APOB (apolipoprotein B; minus strand), LOC106560211 (APOB 5' regulatory region; plus strand). Cytogenetic location: 2p24.1.
Variant type: Microsatellite.
Coding change: c.49CTG[7] on transcript NM_000384.3 (MANE Select); seven copies in a row of the 3-base unit CTG starting at c.49; the reference has six copies in a row; one copy, 3 bases duplicated.
Protein change: p.Leu22dup; duplicates leucine 22.
Molecular consequence: inframe insertion.
Genome position (GRCh38, 1-based): chr2:21,043,880-21,043,882, CAG duplicated on the plus strand (CTG on the coding strand, the reverse complement: APOB is on the minus strand); duplicating any 3 consecutive bases within chr2:21,043,880-21,043,898 gives the same sequence; the position shown is the placement nearest the transcript's 3' end. VCF-style (leftmost placement, unchanged base first): chr2-21043879-C-CCAG. GRCh37 (hg19) VCF-style: chr2-21266751-C-CCAG.
Identifiers: ClinVar variation 993131 (VCV000993131.7), dbSNP rs745520533, ClinGen allele CA1546562.